The following is an entry in ClinVar:

NM_022765.4(MICAL1):c.2249A>G (p.His750Arg)

Gene: MICAL1 (microtubule associated monooxygenase, calponin and LIM domain containing 1; minus strand). Cytogenetic location: 6q21.
Variant type: single nucleotide variant.
Coding change: c.2249A>G on transcript NM_022765.4 (MANE Select); coding-DNA position 2249, A replaced by G.
Protein change: p.His750Arg; replaces histidine 750 with arginine.
Molecular consequence: missense variant.
Genome position (GRCh38, 1-based): chr6:109,446,751, T>C on the plus strand (A>G on the coding strand, the complement: MICAL1 is on the minus strand). VCF-style: chr6-109446751-T-C. GRCh37 (hg19) VCF-style: chr6-109767954-T-C.
Other names: c.1991A>G, p.His664Arg (NM_001159291.2); c.2306A>G, p.His769Arg (NM_001286613.2); short protein forms H750R, H769R, H664R.
Identifiers: ClinVar variation 2778546 (VCV002778546.3), dbSNP rs1016392900, ClinGen allele CA145118703.

ClinVar aggregate classification (germline): Uncertain significance (1 of 4 stars; one submission).

Submission:

Labcorp Genetics (formerly Invitae), Labcorp
Classification: Uncertain significance. Last evaluated: 2023-10-04. Review status: criteria provided, single submitter. Criteria: Invitae Variant Classification Sherloc (09022015). Collection method: clinical testing. Allele origin: germline.
Comment: This sequence change replaces histidine, which is basic and polar, with arginine, which is basic and polar, at codon 769 of the MICAL1 protein (p.His769Arg). This variant is not present in population databases (gnomAD no frequency). This variant has not been reported in the literature in individuals affected with MICAL1-related conditions. An algorithm developed to predict the effect of missense changes on protein structure and function (PolyPhen-2) suggests that this variant is likely to be disruptive. In summary, the available evidence is currently insufficient to determine the role of this variant in disease. Therefore, it has been classified as a Variant of Uncertain Significance.